The following is an entry in ClinVar:

ClinVar aggregate classification (germline): Uncertain significance (1 of 4 stars; one submission).

Submission:

Labcorp Genetics (formerly Invitae), Labcorp
Classification: Uncertain significance. Last evaluated: 2023-10-18. Review status: criteria provided, single submitter. Criteria: Invitae Variant Classification Sherloc (09022015). Collection method: clinical testing. Allele origin: germline.
Comment: This sequence change replaces arginine, which is basic and polar, with glycine, which is neutral and non-polar, at codon 590 of the HPS1 protein (p.Arg590Gly). This variant is not present in population databases (gnomAD no frequency). This variant has not been reported in the literature in individuals affected with HPS1-related conditions. Advanced modeling of protein sequence and biophysical properties (such as structural, functional, and spatial information, amino acid conservation, physicochemical variation, residue mobility, and thermodynamic stability) has been performed at Invitae for this missense variant, however the output from this modeling did not meet the statistical confidence thresholds required to predict the impact of this variant on HPS1 protein function. In summary, the available evidence is currently insufficient to determine the role of this variant in disease. Therefore, it has been classified as a Variant of Uncertain Significance.

NM_000195.5(HPS1):c.1768C>G (p.Arg590Gly)

Gene: HPS1 (HPS1 biogenesis of lysosomal organelles complex 3 subunit 1; minus strand). Cytogenetic location: 10q24.2.
Variant type: single nucleotide variant.
Coding change: c.1768C>G on transcript NM_000195.5 (MANE Select); coding-DNA position 1768, C replaced by G.
Protein change: p.Arg590Gly; replaces arginine 590 with glycine.
Molecular consequence: missense variant.
Genome position (GRCh38, 1-based): chr10:98,420,134, G>C on the plus strand (C>G on the coding strand, the complement: HPS1 is on the minus strand). VCF-style: chr10-98420134-G-C. GRCh37 (hg19) VCF-style: chr10-100179891-G-C.
Other names: c.1399C>G, p.Arg467Gly (NM_001322484.2, NM_001322483.2); c.1300C>G, p.Arg434Gly (NM_001322485.2); c.796C>G, p.Arg266Gly (NM_001322487.2, NM_001322489.2, NM_001311345.2); c.1768C>G, p.Arg590Gly (NM_001322476.2, NM_001322477.2); c.1669C>G, p.Arg557Gly (NM_001322478.2, NM_001322479.2); c.1507C>G, p.Arg503Gly (NM_001322480.2, NM_001322481.2); c.1408C>G, p.Arg470Gly (NM_001322482.2); short protein forms R467G, R470G, R590G, R434G, R557G, R266G, R503G.
Identifiers: ClinVar variation 2769897 (VCV002769897.3), dbSNP rs956710889, ClinGen allele CA212759539.